The following is an entry in ClinVar:

ClinVar aggregate classification (germline): Conflicting classifications of pathogenicity. Review status: criteria provided, conflicting classifications (1 of 4 stars). 4 submissions from 4 submitters: Uncertain significance (2); Likely benign (2). Last evaluated 2026-08-25.

Conditions:
Cardiovascular phenotype. Identifiers: MedGen CN230736.
Long QT syndrome (LQTS). Identifiers: MedGen C0023976, MeSH D008133, MONDO:0002442. Disease mechanism: loss of function. Inheritance: Various modes of inheritance.
CACNA1C-related disorder. Also called: CACNA1C-related condition; CACNA1C-related disorders. Identifiers: MedGen CN381092, MONDO:0700321.

Allele frequency attached by ClinVar (database versions not stated): ExAC 0.00001; gnomAD 0.00002; gnomAD exomes 0.00001 and 0.00002.
gnomAD v4.1: 40 of 1,613,654 alleles (0.0025%); highest among the groups gnomAD compares: Middle Eastern, 0.016%; no homozygotes.

Submissions (4):

PreventionGenetics, part of Exact Sciences
Classification: Uncertain significance for CACNA1C-related condition. Last evaluated: 2026-08-25. Review status: criteria provided, single submitter. Criteria: ACMG Guidelines, 2015. Collection method: clinical testing. Allele origin: germline.
Comment: The CACNA1C c.2634C>T variant is not predicted to result in an amino acid change (p.=). This variant is predicted to alter splicing based on available splicing prediction programs (SpliceAI, Jaganathan et al. 2019. PubMed ID: 30661751). However, the use of computer prediction programs is not equivalent to functional evidence. To our knowledge, this variant has not been reported in the literature. This variant is reported in 0.0051% of alleles in individuals of East Asian descent in gnomAD. At this time, the clinical significance of this variant is uncertain due to the absence of conclusive functional and genetic evidence.

Labcorp Genetics (formerly Invitae), Labcorp
Classification: Likely benign for Long QT syndrome. Last evaluated: 2025-10-13. Review status: criteria provided, single submitter. Criteria: Invitae Variant Classification Sherloc (09022015). Collection method: clinical testing. Allele origin: germline.

Ambry Genetics
Classification: Uncertain significance for Cardiovascular phenotype. Last evaluated: 2023-11-22. Review status: criteria provided, single submitter. Criteria: Ambry Variant Classification Scheme 2023. Collection method: clinical testing. Allele origin: germline.
Comment: The c.2634C>T variant (also known as p.S878S), located in coding exon 19 of the CACNA1C gene, results from a C to T substitution at nucleotide position 2634. This nucleotide substitution does not change the serine at codon 878. This nucleotide position is poorly conserved in available vertebrate species. In silico splice site analysis for this alteration is inconclusive. Based on data from gnomAD, the frequency for this variant is above the maximum credible frequency for a neurodevelopmental disease-causing variant in this gene based on internally established thresholds (Karczewski et al. Nature. 2020 May;581(7809):434-443; Whiffin et al. Genet Med. 2017 10;19:1151-1158). Based on the supporting evidence, the association of this alteration with CACNA1C-related long QT syndrome/Timothy syndrome is unknown; however, the association of this alteration with CACNA1C-related neurodevelopmental disorder is unlikely.

GeneDx
Classification: Likely benign. Last evaluated: 2017-12-18. Review status: criteria provided, single submitter. Criteria: GeneDx Variant Classification (06012015). Collection method: clinical testing. Allele origin: germline. Affected: yes.
Comment: This variant is considered likely benign or benign based on one or more of the following criteria: it is a conservative change, it occurs at a poorly conserved position in the protein, it is predicted to be benign by multiple in silico algorithms, and/or has population frequency not consistent with disease.

NM_000719.7(CACNA1C):c.2634C>T (p.Ser878=)

Gene: CACNA1C (calcium voltage-gated channel subunit alpha1 C; plus strand). Cytogenetic location: 12p13.33.
Variant type: single nucleotide variant.
Coding change: c.2634C>T on transcript NM_000719.7 (MANE Select); coding-DNA position 2634, C replaced by T.
Protein change: p.Ser878=; no amino-acid change (serine 878 retained).
Molecular consequence: synonymous variant.
Genome position (GRCh38, 1-based): chr12:2,593,316, C>T. VCF-style: chr12-2593316-C-T. GRCh37 (hg19) VCF-style: chr12-2702482-C-T.
Other names: c.2634C>T, p.Ser878= (NM_001129827.2, NM_001129829.2, NM_001129830.3 and 18 more transcripts); c.2625C>T, p.Ser875= (NM_001129844.2).
Identifiers: ClinVar variation 514082 (VCV000514082.13), dbSNP rs752800134, ClinGen allele CA6389017.